The following is an entry in ClinVar:

ClinVar aggregate classification (germline): Benign/Likely benign. Review status: criteria provided, multiple submitters, no conflicts (2 of 4 stars). 9 submissions from 9 submitters: Benign (4); Likely benign (1). 4 of the submissions do not count toward it. Last evaluated 2026-01-31.

Conditions:
ARID1B-Related Disorder. Identifiers: MedGen CN381337.
Inborn genetic diseases. Identifiers: MedGen C0950123, MeSH D030342.
Coffin-Siris syndrome 1 (CSS1). Also called: Mental retardation, autosomal dominant 12; ARID1B-Related Coffin-Siris Syndrome. Identifiers: Orphanet 1465, MedGen C3281201, MONDO:0007617, OMIM 135900. Disease mechanism: gain of function.

Allele frequency attached by ClinVar (database versions not stated): 1000 Genomes Project 30x 0.00656; 1000 Genomes Project 0.00659; TOPMed 0.01280; ExAC 0.01287; ESP Exome Variant Server 0.01292; gnomAD exomes 0.01300 and 0.01660; gnomAD 0.01325 and 0.01456.
gnomAD v4.1: 26,369 of 1,614,148 alleles (1.6%); highest among the groups gnomAD compares: Non-Finnish European, 1.8%; 268 homozygotes.

Submissions (9):

Labcorp Genetics (formerly Invitae), Labcorp
Classification: Benign. Last evaluated: 2026-01-31. Review status: criteria provided, single submitter. Criteria: Invitae Variant Classification Sherloc (09022015). Collection method: clinical testing. Allele origin: germline.

Blueprint Genetics
Classification: Likely benign. Last evaluated: 2024-11-26. Review status: criteria provided, single submitter. Criteria: ACMG Guidelines, 2015. Collection method: clinical testing. Allele origin: germline.

Genome-Nilou Lab
Classification: Benign for Coffin-Siris syndrome 1. Last evaluated: 2021-07-15. Review status: criteria provided, single submitter. Criteria: ACMG Guidelines, 2015. Collection method: clinical testing. Allele origin: germline. Affected: no.

GeneDx
Classification: Benign. Last evaluated: 2020-09-23. Review status: criteria provided, single submitter. Criteria: GeneDx Variant Classification Process June 2021. Collection method: clinical testing. Allele origin: germline. Affected: yes.

Ambry Genetics
Classification: Benign for Inborn genetic diseases. Last evaluated: 2016-07-01. Review status: criteria provided, single submitter. Criteria: Ambry Variant Classification Scheme 2023. Collection method: clinical testing. Allele origin: germline.

PreventionGenetics, part of Exact Sciences
Classification: Benign for ARID1B-related condition. Last evaluated: 2019-04-03. Review status: no assertion criteria provided. Collection method: clinical testing. Allele origin: germline. Not counted in ClinVar's aggregate classification.
Comment: This variant is classified as benign based on ACMG/AMP sequence variant interpretation guidelines (Richards et al. 2015 PMID: 25741868, with internal and published modifications).

Genetic Services Laboratory, University of Chicago
Classification: Likely benign for AllHighlyPenetrant. Review status: no assertion criteria provided. Collection method: clinical testing. Allele origin: germline. Inheritance: Autosomal dominant inheritance. Observed: 1 variant allele. Not counted in ClinVar's aggregate classification.
Comment: Likely benign based on allele frequency in 1000 Genomes Project or ESP global frequency and its presence in a patient with a rare or unrelated disease phenotype. NOT Sanger confirmed.

Joint Genome Diagnostic Labs from Nijmegen and Maastricht, Radboudumc and MUMC+
Classification: Benign. Review status: no assertion criteria provided. Collection method: clinical testing. Allele origin: germline. Affected: yes. Study: VKGL Data-share Consensus. Not counted in ClinVar's aggregate classification.

Laboratory of Diagnostic Genome Analysis, Leiden University Medical Center (LUMC)
Classification: Likely benign. Review status: no assertion criteria provided. Collection method: clinical testing. Allele origin: germline. Affected: yes. Study: VKGL Data-share Consensus. Not counted in ClinVar's aggregate classification.

NM_001374828.1(ARID1B):c.1927A>G (p.Ile643Val)

Gene: ARID1B (AT-rich interaction domain 1B; plus strand). Cytogenetic location: 6q25.3.
Variant type: single nucleotide variant.
Coding change: c.1927A>G on transcript NM_001374828.1 (MANE Select); coding-DNA position 1927, A replaced by G.
Protein change: p.Ile643Val; replaces isoleucine 643 with valine.
Molecular consequence: missense variant.
Genome position (GRCh38, 1-based): chr6:156,829,362, A>G. VCF-style: chr6-156829362-A-G. GRCh37 (hg19) VCF-style: chr6-157150496-A-G.
Other names: c.1927A>G, p.Ile643Val (NM_001371656.1, NM_001374820.1, NM_017519.3); c.1678A>G, p.Ile560Val (NM_020732.3); short protein forms I560V, I643V.
Identifiers: ClinVar variation 126316 (VCV000126316.26), dbSNP rs17318151, ClinGen allele CA151035.